The following is an entry in ClinVar:

ClinVar aggregate classification (germline): Pathogenic. Review status: criteria provided, multiple submitters, no conflicts (2 of 4 stars). 2 submissions from 2 submitters: Pathogenic (2). Last evaluated 2022-11-23.

Conditions:
Osteogenesis imperfecta (OI). Identifiers: Orphanet 666, MedGen C0029434, MeSH D010013, MONDO:0019019.

Submissions (2):

GeneDx
Classification: Pathogenic. Last evaluated: 2022-11-23. Review status: criteria provided, single submitter. Criteria: GeneDx Variant Classification Process June 2021. Collection method: clinical testing. Allele origin: germline. Affected: yes.
Comment: Reported in the published literature in an infant with clinical features of OI including blue sclerae, multiple fractures, bowed tibias, and cortical thickening (Schleit et al., 2015); Damages or destroys the splice acceptor site in intron 22, and is expected to cause abnormal gene splicing; if the splice outcome is exon skip, the loss of the encoded residues in the triple helical region is expected to disrupt normal protein folding and function, and this is an established mechanism of disease (HGMD); Not observed at significant frequency in large population cohorts (gnomAD); This variant is associated with the following publications: (PMID: 25963598)

Genetics Department, Polish Mother's Memorial Hospital Research Institute
Classification: Pathogenic for Osteogenesis imperfecta. Last evaluated: 2019-07-11. Review status: criteria provided, single submitter. Criteria: ACMG Guidelines, 2015. Collection method: research. Allele origin: maternal. Affected: yes. Observed: 2 variant alleles.

NM_000088.4(COL1A1):c.1516-1G>C

Gene: COL1A1 (collagen type I alpha 1 chain; minus strand). Cytogenetic location: 17q21.33.
Variant type: single nucleotide variant.
Coding change: c.1516-1G>C on transcript NM_000088.4 (MANE Select); the canonical splice acceptor site of the intron before coding-DNA position 1516, G replaced by C.
Molecular consequence: splice acceptor variant.
Genome position (GRCh38, 1-based): chr17:50,194,448, C>G on the plus strand (G>C on the coding strand, the complement: COL1A1 is on the minus strand). VCF-style: chr17-50194448-C-G. GRCh37 (hg19) VCF-style: chr17-48271809-C-G.
Identifiers: ClinVar variation 691327 (VCV000691327.4), dbSNP rs72648352, ClinGen allele CA400217046.
Genomic context (GRCh38, chr17:50,194,448, plus strand): 5'-TTCACCAGGAGATCCTTTGGGGCCAGCAGGGCCAGGAGAACCACGTTCACCAGCGGGACC[C>G]TGGTTGGGGGAAGTCACAGGAACAGTTAGGGTCTCAAGTTTGTGGCTCTTTGCCACGGGC-3'